The following is an entry in ClinVar:

NM_139215.3(TAF15):c.1674_1697del (p.557GYGGDRGG[1])

Gene: TAF15 (TATA-box binding protein associated factor 15; plus strand). Cytogenetic location: 17q12.
Variant type: Deletion.
Coding change: c.1674_1697del on transcript NM_139215.3 (MANE Select); coding-DNA positions 1674 to 1697, 24 bases deleted (TGGAGGAGACCGAGGTGGGGGCTA).
Protein change: p.557GYGGDRGG[1].
Genome position (GRCh38, 1-based): chr17:35,844,973-35,844,996, TGGAGGAGACCGAGGTGGGGGCTA deleted; deleting any 24 consecutive bases within chr17:35,844,968-35,844,996 gives the same sequence; the c. name uses the placement nearest the transcript's 3' end. VCF-style (leftmost placement, unchanged base first): chr17-35844967-CGGCTATGGAGGAGACCGAGGTGGG-C. GRCh37 (hg19) VCF-style: chr17-34171971-CGGCTATGGAGGAGACCGAGGTGGG-C.
Other names: c.1665_1688del, p.554GYGGDRGG[1] (NM_003487.4).
Identifiers: ClinVar variation 3031380 (VCV003031380.2), dbSNP rs759467337, ClinGen allele CA290041747.
Genomic context (GRCh38, chr17:35,844,967, plus strand): 5'-TGGTGGCAGTGGCTACGGTGGAGACCGAAGTGGAGGCTATGGAGGAGACAGGAGTGGTGG[CGGCTATGGAGGAGACCGAGGTGGG>C]GGCTACGGAGGAGACCGAGGTGGCTATGGAGGCAAAATGGGAGGAAGGTGAGTATTAGAA-3'

ClinVar aggregate classification (germline): Uncertain significance (0 of 4 stars; one submission).

Conditions:
TAF15-related disorder. Also called: TAF15-related condition.

Submission:

PreventionGenetics, part of Exact Sciences
Classification: Uncertain significance for TAF15-related condition. Last evaluated: 2024-01-19. Review status: no assertion criteria provided. Collection method: clinical testing. Allele origin: germline.
Comment: The TAF15 c.1674_1697del24 variant is predicted to result in an in-frame deletion (p.Gly565_Gly572del). This variant was reported in an individual with Amyotrophic lateral sclerosis (reported as p.Gly565_Gly572del in Table 3, Shepheard et al 2021. PubMed ID: 33589474). This variant is reported in 0.028% of alleles in individuals of African descent in gnomAD. At this time, the clinical significance of this variant is uncertain due to the absence of conclusive functional and genetic evidence.